The following is an entry in ClinVar:

ClinVar aggregate classification (germline): Uncertain significance. Review status: criteria provided, multiple submitters, no conflicts (2 of 4 stars). 2 submissions from 2 submitters: Uncertain significance (2). Last evaluated 2025-07-21.

Conditions:
Senior-Loken syndrome 7 (SLSN7). Identifiers: Orphanet 3156, MedGen C3150877, MONDO:0013326, OMIM 613615.
Bardet-Biedl syndrome 16 (BBS16). Identifiers: Orphanet 110, MedGen C3889474, MONDO:0014444, OMIM 615993.
SDCCAG8-related disorder. Also called: SDCCAG8-Related Disorders; SDCCAG8-related condition.

gnomAD v4.1: 1 of 1,602,280 alleles (0.000062%); highest among the groups gnomAD compares: Admixed American, 0.0017%; no homozygotes.

Submissions (2):

PreventionGenetics, part of Exact Sciences
Classification: Uncertain significance for SDCCAG8-related condition. Last evaluated: 2025-07-21. Review status: criteria provided, single submitter. Criteria: ACMG Guidelines, 2015. Collection method: clinical testing. Allele origin: germline.
Comment: The SDCCAG8 c.1468G>A variant is predicted to result in the amino acid substitution p.Asp490Asn. To our knowledge, this variant has not been reported in the literature or in a large population database (gnomAD), indicating this variant is rare. At this time, the clinical significance of this variant is uncertain due to the absence of conclusive functional and genetic evidence.

Fulgent Genetics
Classification: Uncertain significance for Senior-Loken syndrome 7; Bardet-Biedl syndrome 16. Last evaluated: 2024-03-06. Review status: criteria provided, single submitter. Criteria: ACMG Guidelines, 2015. Collection method: clinical testing. Allele origin: germline.

NM_006642.5(SDCCAG8):c.1468G>A (p.Asp490Asn)

Gene: SDCCAG8 (SHH signaling and ciliogenesis regulator SDCCAG8; plus strand). Cytogenetic location: 1q43.
Variant type: single nucleotide variant.
Coding change: c.1468G>A on transcript NM_006642.5 (MANE Select); coding-DNA position 1468, G replaced by A.
Protein change: p.Asp490Asn; replaces aspartic acid 490 with asparagine.
Molecular consequence: missense variant.
Genome position (GRCh38, 1-based): chr1:243,344,326, G>A. VCF-style: chr1-243344326-G-A. GRCh37 (hg19) VCF-style: chr1-243507628-G-A.
Other names: c.1468G>A (NM_006642.3); c.565G>A, p.Asp189Asn (NM_001350246.2, NM_001350247.2, NM_001350251.2); c.1564G>A, p.Asp522Asn (NM_001350248.2); c.1174G>A, p.Asp392Asn (NM_001350249.2); short protein forms D392N, D490N, D189N, D522N.
Identifiers: ClinVar variation 3582728 (VCV003582728.2).